The following is an entry in ClinVar:

NM_000081.4(LYST):c.6676C>T (p.Arg2226Ter)

Gene: LYST (lysosomal trafficking regulator; minus strand). Cytogenetic location: 1q42.3.
Variant type: single nucleotide variant.
Coding change: c.6676C>T on transcript NM_000081.4 (MANE Select); coding-DNA position 6676, C replaced by T.
Protein change: p.Arg2226Ter; replaces arginine 2226 with a stop codon.
Molecular consequence: nonsense.
Genome position (GRCh38, 1-based): chr1:235,759,177, G>A on the plus strand (C>T on the coding strand, the complement: LYST is on the minus strand). VCF-style: chr1-235759177-G-A. GRCh37 (hg19) VCF-style: chr1-235922477-G-A.
Other names: c.6676C>T, p.Arg2226Ter (NM_001301365.1); short protein forms R2226*.
Identifiers: ClinVar variation 2418863 (VCV002418863.5), dbSNP rs1179853540, ClinGen allele CA344939963.

ClinVar aggregate classification (germline): Pathogenic (1 of 4 stars; one submission).

Conditions:
Chédiak-Higashi syndrome (CHS). Also called: Chediak-Higashi Syndrome. Identifiers: Orphanet 167, MedGen C0007965, MONDO:0008963, OMIM 214500.

Allele frequency attached by ClinVar (database versions not stated): gnomAD exomes below 0.00001; gnomAD 0.00001; TOPMed 0.00001.
gnomAD v4.1: 3 of 1,613,970 alleles (0.00019%); highest among the groups gnomAD compares: African/African-American, 0.0013%; no homozygotes.

Submission:

Labcorp Genetics (formerly Invitae), Labcorp
Classification: Pathogenic for Chédiak-Higashi syndrome. Last evaluated: 2023-04-07. Review status: criteria provided, single submitter. Criteria: Invitae Variant Classification Sherloc (09022015). Collection method: clinical testing. Allele origin: germline.
Comment: This sequence change creates a premature translational stop signal (p.Arg2226*) in the LYST gene. It is expected to result in an absent or disrupted protein product. Loss-of-function variants in LYST are known to be pathogenic (PMID: 9215679, 11857544). This variant is present in population databases (no rsID available, gnomAD 0.003%). This premature translational stop signal has been observed in individual(s) with Chediak-Higashi syndrome (PMID: 31245861). ClinVar contains an entry for this variant (Variation ID: 2418863). For these reasons, this variant has been classified as Pathogenic.

Literature cited by the submitters: PubMed 9215679; PubMed 11857544; PubMed 31245861.